The following is an entry in ClinVar:

NM_004329.3(BMPR1A):c.205G>C (p.Asp69His)

Gene: BMPR1A (bone morphogenetic protein receptor type 1A; plus strand). Cytogenetic location: 10q23.2.
Variant type: single nucleotide variant.
Coding change: c.205G>C on transcript NM_004329.3 (MANE Select); coding-DNA position 205, G replaced by C.
Protein change: p.Asp69His; replaces aspartic acid 69 with histidine.
Molecular consequence: missense variant. On other transcripts: non-coding transcript variant (3).
Genome position (GRCh38, 1-based): chr10:86,890,199, G>C. VCF-style: chr10-86890199-G-C. GRCh37 (hg19) VCF-style: chr10-88649956-G-C.
Other names: c.205G>C, p.Asp69His (NM_001406559.1, NM_001406560.1, NM_001406561.1 and 23 more transcripts); c.121G>C, p.Asp41His (NM_001406584.1, NM_001406585.1, NM_001406586.1 and 2 more transcripts); short protein forms D41H, D69H.
Identifiers: ClinVar variation 2574374 (VCV002574374.3), dbSNP rs1177143902, ClinGen allele CA377447134.
Genomic context (GRCh38, chr10:86,890,199, plus strand): 5'-ACCTTAGCACCAGAGGATACCTTGCCTTTTTTAAAGTGCTATTGCTCAGGGCACTGTCCA[G>C]ATGATGCTATTAATAACACATGCATGTAAGTATTTTATGCAGCCCTTCTTAAGAGTTAGG-3'
Protein context (NP_004320.2, residues 59-79): LKCYCSGHCP[Asp69His]DAINNTCITN

ClinVar aggregate classification (germline): Uncertain significance. Review status: criteria provided, multiple submitters, no conflicts (2 of 4 stars). 3 submissions from 3 submitters: Uncertain significance (3). Last evaluated 2026-09-04.

Conditions:
Hereditary cancer-predisposing syndrome. Also called: Hereditary neoplastic syndrome; Hereditary Cancer Syndrome; Neoplastic Syndromes, Hereditary; Tumor predisposition. Identifiers: Orphanet 140162, MedGen C0027672, MeSH D009386, MONDO:0015356.
Juvenile polyposis syndrome (JPS). Identifiers: Orphanet 2929, MedGen C0345893, MONDO:0017380, OMIM 174900.

Allele frequency attached by ClinVar (database versions not stated): gnomAD exomes below 0.00001.
gnomAD v4.1: 1 of 1,614,138 alleles (0.000062%); highest among the groups gnomAD compares: Non-Finnish European, 0.000085%; no homozygotes.

Submissions (3):

Ambry Genetics
Classification: Uncertain significance for Hereditary cancer-predisposing syndrome. Last evaluated: 2026-09-04. Review status: criteria provided, single submitter. Criteria: Ambry Variant Classification Scheme 2023. Collection method: clinical testing. Allele origin: germline.
Comment: The p.D69H variant (also known as c.205G>C), located in coding exon 2 of the BMPR1A gene, results from a G to C substitution at nucleotide position 205. The aspartic acid at codon 69 is replaced by histidine, an amino acid with similar properties. This amino acid position is conserved. In addition, the in silico prediction for this alteration is inconclusive. Based on the available evidence, the clinical significance of this variant remains unclear.

All of Us Research Program, National Institutes of Health
Classification: Uncertain significance for Juvenile polyposis syndrome. Last evaluated: 2023-03-04. Review status: criteria provided, single submitter. Criteria: ACMG Guidelines, 2015. Collection method: clinical testing. Allele origin: germline. Inheritance: Autosomal dominant inheritance. Observed: 1 variant allele, 1 heterozygote.
Comment: This study involves interpretation of variants in research participants for the purpose of population health screening. Participant phenotype was not available at the time of variant classification. Additional details can be found in publication PMID: 35346344, PMCID: PMC8962531

GeneDx
Classification: Uncertain significance. Last evaluated: 2023-01-25. Review status: criteria provided, single submitter. Criteria: GeneDx Variant Classification Process June 2021. Collection method: clinical testing. Allele origin: germline. Affected: yes.
Comment: Not observed at significant frequency in large population cohorts (gnomAD); In silico analysis supports that this missense variant does not alter protein structure/function; This variant is associated with the following publications: (PMID: 22799562, 23433720, 10881198)